The following is an entry in ClinVar:

ClinVar aggregate classification (germline): Uncertain significance (1 of 4 stars; one submission).

Conditions:
Epidermolysis bullosa simplex 5B, with muscular dystrophy (EBS5B). Also called: EPIDERMOLYSIS BULLOSA SIMPLEX AND LIMB-GIRDLE MUSCULAR DYSTROPHY; Epidermolysis bullosa simplex with muscular dystrophy. Identifiers: Orphanet 257, MedGen C2931072, MONDO:0009181, OMIM 226670.
Epidermolysis bullosa simplex, Ogna type (EBS5A). Also called: Pidermolysis bullosa simplex 5A, Ogna type; EPIDERMOLYSIS BULLOSA SIMPLEX 5A, OGNA TYPE. Identifiers: Orphanet 79401, MedGen C0432317, MONDO:0007555, OMIM 131950.
Epidermolysis bullosa simplex 5C, with pyloric atresia (EBS5C). Also called: Epidermolysis bullosa simplex with pyloric atresia; PLEC-Related Epidermolysis Bullosa with Pyloric Atresia; PLEC1-Related Epidermolysis Bullosa with Pyloric Atresia. Identifiers: Orphanet 158684, MedGen C2677349, MONDO:0012807, OMIM 612138.
Autosomal recessive limb-girdle muscular dystrophy type 2Q (LGMDR17). Also called: MUSCULAR DYSTROPHY, LIMB-GIRDLE, AUTOSOMAL RECESSIVE 17. Identifiers: Orphanet 254361, MedGen C3150989, MONDO:0013390, OMIM 613723.
Epidermolysis bullosa simplex with nail dystrophy (EBS5D). Identifiers: MedGen C4225309, MONDO:0014661, OMIM 616487.

gnomAD v4.1: 3 of 1,612,842 alleles (0.00019%); highest among the groups gnomAD compares: South Asian, 0.0011%; no homozygotes.

Submission:

Labcorp Genetics (formerly Invitae), Labcorp
Classification: Uncertain significance for Autosomal recessive limb-girdle muscular dystrophy type 2Q; Epidermolysis bullosa simplex, Ogna type; Epidermolysis bullosa simplex with nail dystrophy; Epidermolysis bullosa simplex 5C, with pyloric atresia; Epidermolysis bullosa simplex 5B, with muscular dystrophy. Last evaluated: 2025-10-22. Review status: criteria provided, single submitter. Criteria: Invitae Variant Classification Sherloc (09022015). Collection method: clinical testing. Allele origin: germline.
Comment: This sequence change replaces methionine, which is neutral and non-polar, with threonine, which is neutral and polar, at codon 3980 of the PLEC protein (p.Met3980Thr). This variant is not present in population databases (gnomAD no frequency). This variant has not been reported in the literature in individuals affected with PLEC-related conditions. Invitae Evidence Modeling of protein sequence and biophysical properties (such as structural, functional, and spatial information, amino acid conservation, physicochemical variation, residue mobility, and thermodynamic stability) has been performed for this missense variant. However, the output from this modeling did not meet the statistical confidence thresholds required to predict the impact of this variant on PLEC protein function. In summary, the available evidence is currently insufficient to determine the role of this variant in disease. Therefore, it has been classified as a Variant of Uncertain Significance.

NM_201384.3(PLEC):c.11858T>C (p.Met3953Thr)

Gene: PLEC (plectin; minus strand). Cytogenetic location: 8q24.3.
Variant type: single nucleotide variant.
Coding change: c.11858T>C on transcript NM_201384.3 (MANE Select); coding-DNA position 11858, T replaced by C.
Protein change: p.Met3953Thr; replaces methionine 3953 with threonine.
Molecular consequence: missense variant.
Genome position (GRCh38, 1-based): chr8:143,917,963, A>G on the plus strand (T>C on the coding strand, the complement: PLEC is on the minus strand). VCF-style: chr8-143917963-A-G. GRCh37 (hg19) VCF-style: chr8-144992131-A-G.
Other names: c.11939T>C, p.Met3980Thr (NM_000445.5); c.8558T>C, p.Met2853Thr (NM_001410941.1); c.11816T>C, p.Met3939Thr (NM_201378.4); c.11792T>C, p.Met3931Thr (NM_201379.3); c.12269T>C, p.Met4090Thr (NM_201380.4); c.11762T>C, p.Met3921Thr (NM_201381.3); c.11858T>C, p.Met3953Thr (NM_201382.4); c.11870T>C, p.Met3957Thr (NM_201383.3); short protein forms M3980T, M2853T, M3921T, M3939T, M3953T, M4090T, M3931T, M3957T.
Identifiers: ClinVar variation 4793360 (VCV004793360.1).